The following is an entry in ClinVar:

NM_198252.3(GSN):c.761A>G (p.Asn254Ser)

Gene: GSN (gelsolin; plus strand). Cytogenetic location: 9q33.2.
Variant type: single nucleotide variant.
Coding change: c.761A>G on transcript NM_198252.3 (MANE Select); coding-DNA position 761, A replaced by G.
Protein change: p.Asn254Ser; replaces asparagine 254 with serine.
Molecular consequence: missense variant.
Genome position (GRCh38, 1-based): chr9:121,317,093, A>G. VCF-style: chr9-121317093-A-G. GRCh37 (hg19) VCF-style: chr9-124079371-A-G.
Other names: c.914A>G, p.Asn305Ser (NM_000177.5); c.761A>G, p.Asn254Ser (NM_001127662.2, NM_001127664.2, NM_001127665.2 and 10 more transcripts); c.869A>G, p.Asn290Ser (NM_001127663.2); c.794A>G, p.Asn265Ser (NM_001127666.2, NM_001127667.2, NM_001353063.2 and 13 more transcripts); c.812A>G, p.Asn271Ser (NM_001258029.2); c.785A>G, p.Asn262Ser (NM_001258030.2); c.833A>G, p.Asn278Ser (NM_001353076.2); c.107A>G, p.Asn36Ser (NM_001353078.2); short protein forms N254S, N305S, N271S, N262S, N265S, N290S, N36S, N278S.
Identifiers: ClinVar variation 1491645 (VCV001491645.7), dbSNP rs756193920, ClinGen allele CA5221041.

ClinVar aggregate classification (germline): Uncertain significance. Review status: criteria provided, multiple submitters, no conflicts (2 of 4 stars). 2 submissions from 2 submitters: Uncertain significance (2). Last evaluated 2023-12-22.

Conditions:
Finnish type amyloidosis. Also called: Lattice corneal dystrophy associated with familial systemic amyloidosis; Meretoja's syndrome; Lattice dystrophy of the cornea with hereditary generalized amyloidosis; AMYLOID CRANIAL NEUROPATHY WITH LATTICE CORNEAL DYSTROPHY; AMYLOIDOSIS DUE TO MUTANT GELSOLIN; Amyloidosis, familial, Finnish type. Identifiers: Orphanet 85448, MedGen C1622345, MONDO:0007097, OMIM 105120.

Allele frequency attached by ClinVar (database versions not stated): gnomAD exomes below 0.00001 and 0.00001; TOPMed 0.00001; ExAC 0.00002.
gnomAD v4.1: 9 of 1,614,156 alleles (0.00056%); highest among the groups gnomAD compares: African/African-American, 0.0027%; no homozygotes.

Submissions (2):

Labcorp Genetics (formerly Invitae), Labcorp
Classification: Uncertain significance. Last evaluated: 2023-12-22. Review status: criteria provided, single submitter. Criteria: Invitae Variant Classification Sherloc (09022015). Collection method: clinical testing. Allele origin: germline.
Comment: This sequence change replaces asparagine, which is neutral and polar, with serine, which is neutral and polar, at codon 305 of the GSN protein (p.Asn305Ser). This variant is present in population databases (rs756193920, gnomAD 0.003%). This variant has not been reported in the literature in individuals affected with GSN-related conditions. ClinVar contains an entry for this variant (Variation ID: 1491645). Advanced modeling of protein sequence and biophysical properties (such as structural, functional, and spatial information, amino acid conservation, physicochemical variation, residue mobility, and thermodynamic stability) performed at Invitae indicates that this missense variant is not expected to disrupt GSN protein function with a negative predictive value of 80%. In summary, the available evidence is currently insufficient to determine the role of this variant in disease. Therefore, it has been classified as a Variant of Uncertain Significance.

Fulgent Genetics
Classification: Uncertain significance for Finnish type amyloidosis. Last evaluated: 2022-03-14. Review status: criteria provided, single submitter. Criteria: ACMG Guidelines, 2015. Collection method: clinical testing. Allele origin: unknown.